The following is an entry in ClinVar:

ClinVar aggregate classification (germline): Uncertain significance. Review status: criteria provided, multiple submitters, no conflicts (2 of 4 stars). 3 submissions from 3 submitters: Uncertain significance (3). Last evaluated 2026-03-02.

Conditions:
Acromelic frontonasal dysostosis (AFND). Identifiers: Orphanet 1827, MedGen C1863616, MONDO:0011359, OMIM 603671.
Inborn genetic diseases. Identifiers: MedGen C0950123, MeSH D030342.

gnomAD v4.1: 4 of 1,551,828 alleles (0.00026%); highest among the groups gnomAD compares: Admixed American, 0.002%; no homozygotes.

Submissions (3):

Ambry Genetics
Classification: Uncertain significance for Inborn genetic diseases. Last evaluated: 2026-03-02. Review status: criteria provided, single submitter. Criteria: Ambry Variant Classification Scheme 2023. Collection method: clinical testing. Allele origin: germline.
Comment: The c.3466C>T (p.R1156W) alteration is located in exon 14 (coding exon 14) of the ZSWIM6 gene. This alteration results from a C to T substitution at nucleotide position 3466, causing the arginine (R) at amino acid position 1156 to be replaced by a tryptophan (W). Based on data from gnomAD, the T allele has an overall frequency of 0.001% (1/157140) total alleles studied. The highest observed frequency was 0.004% (1/24692) of Latino alleles. Based on insufficient or conflicting evidence, the clinical significance of this alteration remains unclear.

Women's Health and Genetics/Laboratory Corporation of America, LabCorp
Classification: Uncertain significance. Last evaluated: 2025-02-19. Review status: criteria provided, single submitter. Criteria: LabCorp Variant Classification Summary - May 2015. Collection method: clinical testing. Allele origin: germline.
Comment: Variant summary: ZSWIM6 c.3466C>T (p.Arg1156Trp) results in a non-conservative amino acid change in the encoded protein sequence. Four of five in-silico tools predict a damaging effect of the variant on protein function. The variant allele was found at a frequency of 6.4e-06 in 157140 control chromosomes (gnomAD). The available data on variant occurrences in the general population are insufficient to allow any conclusion about variant significance. To our knowledge, no occurrence of c.3466C>T in individuals affected with ZSWIM6-Related Disorders and no experimental evidence demonstrating its impact on protein function have been reported. No submitters have cited clinical-significance assessments for this variant to ClinVar. Based on the evidence outlined above, the variant was classified as uncertain significance.

3billion
Classification: Uncertain significance for Acromelic frontonasal dysostosis. Last evaluated: 2024-10-18. Review status: criteria provided, single submitter. Criteria: ACMG Guidelines, 2015. Collection method: clinical testing. Allele origin: germline. Affected: yes.
Comment: The variant is observed at an extremely low frequency in the gnomAD v4.1.0 dataset (total allele frequency: <0.001%). Predicted Consequence/Location: Missense variant. Missense changes are a common disease-causing mechanism. In silico tool predictions suggest damaging effect of the variant on gene or gene product [3Cnet: 0.60 (>=0.6, sensitivity 0.72 and precision 0.9)]. Different missense changes at the same codon have been reported as of uncertain significance (ClinVar ID: VCV001721402). Therefore, this variant is classified as VUS according to the recommendation of ACMG/AMP guideline.

NM_020928.2(ZSWIM6):c.3466C>T (p.Arg1156Trp)

Gene: ZSWIM6 (zinc finger SWIM-type containing 6; plus strand). Cytogenetic location: 5q12.1.
Variant type: single nucleotide variant.
Coding change: c.3466C>T on transcript NM_020928.2 (MANE Select); coding-DNA position 3466, C replaced by T.
Protein change: p.Arg1156Trp; replaces arginine 1156 with tryptophan.
Molecular consequence: missense variant.
Genome position (GRCh38, 1-based): chr5:61,544,135, C>T. VCF-style: chr5-61544135-C-T. GRCh37 (hg19) VCF-style: chr5-60839962-C-T.
Other names: c.3466C>T (NM_020928.1); short protein forms R1156W.
Identifiers: ClinVar variation 3768971 (VCV003768971.3).